The following is an entry in ClinVar:

ClinVar aggregate classification (germline): Uncertain significance (1 of 4 stars; one submission).

Conditions:
Dilated cardiomyopathy 1G (CMD1G). Identifiers: Orphanet 154, MedGen C1858763, MONDO:0011400, OMIM 604145.
Autosomal recessive limb-girdle muscular dystrophy type 2J (LGMDR10). Also called: Limb-girdle muscular dystrophy, type 2J; MUSCULAR DYSTROPHY, LIMB-GIRDLE, AUTOSOMAL RECESSIVE 10. Identifiers: Orphanet 140922, MedGen C1837342, MONDO:0012127, OMIM 608807.

Allele frequency attached by ClinVar (database versions not stated): gnomAD exomes below 0.00001.
gnomAD v4.1: 1 of 1,614,020 alleles (0.000062%); highest among the groups gnomAD compares: Non-Finnish European, 0.000085%; no homozygotes.

Submission:

Labcorp Genetics (formerly Invitae), Labcorp
Classification: Uncertain significance for Dilated cardiomyopathy 1G; Autosomal recessive limb-girdle muscular dystrophy type 2J. Last evaluated: 2020-02-10. Review status: criteria provided, single submitter. Criteria: Invitae Variant Classification Sherloc (09022015). Collection method: clinical testing. Allele origin: germline.
Comment: In summary, the available evidence is currently insufficient to determine the role of this variant in disease. Therefore, it has been classified as a Variant of Uncertain Significance. Algorithms developed to predict the effect of missense changes on protein structure and function are unavailable for the TTN gene. This variant is located in the M band of TTN (PMID: 25589632). Variants in this region may be relevant for neuromuscular disorders, but have not been definitively shown to cause cardiomyopathy (PMID: 23975875). This variant has not been reported in the literature in individuals with TTN-related disease. This variant is not present in population databases (ExAC no frequency). This sequence change replaces threonine with lysine at codon 35180 of the TTN protein (p.Thr35180Lys). There is a moderate physicochemical difference between threonine and lysine.

Literature cited by the submitters: PubMed 25589632; PubMed 23975875.

NM_001267550.2(TTN):c.105539C>A (p.Thr35180Lys)

Genes: TTN-AS1 (TTN antisense RNA 1; plus strand), TTN (titin; minus strand), LOC129935184 (ATAC-STARR-seq lymphoblastoid active region 16809; plus strand). Cytogenetic location: 2q31.2.
Variant type: single nucleotide variant.
Coding change: c.105539C>A on transcript NM_001267550.2 (MANE Select); coding-DNA position 105539, C replaced by A.
Protein change: p.Thr35180Lys; replaces threonine 35180 with lysine.
Molecular consequence: missense variant.
Genome position (GRCh38, 1-based): chr2:178,531,076, G>T on the plus strand (C>A on the coding strand, the complement: TTN is on the minus strand). VCF-style: chr2-178531076-G-T. GRCh37 (hg19) VCF-style: chr2-179395803-G-T.
Other names: c.100616C>A, p.Thr33539Lys (NM_001256850.1); c.78344C>A, p.Thr26115Lys (NM_003319.4); c.97835C>A, p.Thr32612Lys (NM_133378.4); c.78719C>A, p.Thr26240Lys (NM_133432.3); c.78920C>A, p.Thr26307Lys (NM_133437.4); short protein forms T26240K, T26307K, T26115K, T32612K, T35180K, T33539K.
Identifiers: ClinVar variation 659146 (VCV000659146.7), dbSNP rs1575225765, ClinGen allele CA349408569.